The following is an entry in ClinVar:

ClinVar aggregate classification (germline): Uncertain significance (1 of 4 stars; one submission).

Conditions:
Inborn genetic diseases. Identifiers: MedGen C0950123, MeSH D030342.

gnomAD v4.1: 1 of 1,613,584 alleles (0.000062%); highest among the groups gnomAD compares: Non-Finnish European, 0.000085%; no homozygotes.

Submission:

Ambry Genetics
Classification: Uncertain significance for Inborn genetic diseases. Last evaluated: 2026-02-28. Review status: criteria provided, single submitter. Criteria: Ambry Variant Classification Scheme 2023. Collection method: clinical testing. Allele origin: germline.
Comment: The p.D1045E variant (also known as c.3135T>G), located in coding exon 20 of the PIK3CA gene, results from a T to G substitution at nucleotide position 3135. The aspartic acid at codon 1045 is replaced by glutamic acid, an amino acid with highly similar properties. This amino acid position is conserved. In addition, this alteration is predicted to be tolerated by in silico analysis. Based on the available evidence, the clinical significance of this variant remains unclear.

NM_006218.4(PIK3CA):c.3135T>G (p.Asp1045Glu)

Gene: PIK3CA (phosphatidylinositol-4,5-bisphosphate 3-kinase catalytic subunit alpha; plus strand). Cytogenetic location: 3q26.32.
Variant type: single nucleotide variant.
Coding change: c.3135T>G on transcript NM_006218.4 (MANE Select); coding-DNA position 3135, T replaced by G.
Protein change: p.Asp1045Glu; replaces aspartic acid 1045 with glutamic acid.
Molecular consequence: missense variant.
Genome position (GRCh38, 1-based): chr3:179,234,292, T>G. VCF-style: chr3-179234292-T-G. GRCh37 (hg19) VCF-style: chr3-178952080-T-G.
Other names: short protein forms D1045E.
Identifiers: ClinVar variation 4827505 (VCV004827505.1).